The following is an entry in ClinVar:

NM_001386135.1(AFF3):c.1683C>G (p.Ala561=)

Gene: AFF3 (ALF transcription elongation factor 3; minus strand). Cytogenetic location: 2q11.2.
Variant type: single nucleotide variant.
Coding change: c.1683C>G on transcript NM_001386135.1 (MANE Select); coding-DNA position 1683, C replaced by G.
Protein change: p.Ala561=; no amino-acid change (alanine 561 retained).
Molecular consequence: synonymous variant.
Genome position (GRCh38, 1-based): chr2:99,593,978, G>C on the plus strand (C>G on the coding strand, the complement: AFF3 is on the minus strand). VCF-style: chr2-99593978-G-C. GRCh37 (hg19) VCF-style: chr2-100210440-G-C.
Other names: c.1758C>G, p.Ala586= (NM_001025108.2); c.1683C>G, p.Ala561= (NM_002285.3).
Identifiers: ClinVar variation 2651189 (VCV002651189.24), dbSNP rs2546107085, ClinGen allele CA427825242.
Genomic context (GRCh38, chr2:99,593,978, plus strand): 5'-CCTCCGGGCAGGCGCGGGCGCGTTCTCCGCGGGCGCACAGGGCACTGCGGGTGGCGGGGC[G>C]GCTGCGCTCACCGCCACGGCCACGGCCGCGGGCGGGGACTTCTGCTTCACGCCTTTACTC-3'
Protein context (NP_001373064.1, residues 551-571): PAAVAVAVSA[Ala561=]APPPAVPCAP

ClinVar aggregate classification (germline): Likely benign (1 of 4 stars; one submission).

Submission:

CeGaT Center for Human Genetics Tuebingen
Classification: Likely benign. Last evaluated: 2022-11-01. Review status: criteria provided, single submitter. Criteria: CeGaT Center For Human Genetics Tuebingen Variant Classification Criteria Version 2. Collection method: clinical testing. Allele origin: germline. Affected: yes. Observed: 1 variant allele.
Comment: AFF3: PM2:Supporting, BP4, BP7